The following is an entry in ClinVar:

NM_006017.3(PROM1):c.1834G>A (p.Ala612Thr)

Gene: PROM1 (prominin 1; minus strand). Cytogenetic location: 4p15.32.
Variant type: single nucleotide variant.
Coding change: c.1834G>A on transcript NM_006017.3 (MANE Select); coding-DNA position 1834, G replaced by A.
Protein change: p.Ala612Thr; replaces alanine 612 with threonine.
Molecular consequence: missense variant.
Genome position (GRCh38, 1-based): chr4:15,992,325, C>T on the plus strand (G>A on the coding strand, the complement: PROM1 is on the minus strand). VCF-style: chr4-15992325-C-T. GRCh37 (hg19) VCF-style: chr4-15993948-C-T.
Other names: c.1807G>A, p.Ala603Thr (NM_001145847.2, NM_001145848.2, NM_001145851.2 and 4 more transcripts); c.1834G>A, p.Ala612Thr (NM_001145849.2, NM_001145850.2); short protein forms A612T, A603T.
Identifiers: ClinVar variation 937243 (VCV000937243.10), dbSNP rs771046422, ClinGen allele CA2866620.

ClinVar aggregate classification (germline): Uncertain significance. Review status: criteria provided, multiple submitters, no conflicts (2 of 4 stars). 2 submissions from 2 submitters: Uncertain significance (2). Last evaluated 2025-01-16.

Conditions:
Inborn genetic diseases. Identifiers: MedGen C0950123, MeSH D030342.

Allele frequency attached by ClinVar (database versions not stated): ExAC 0.00001; gnomAD exomes 0.00001; gnomAD 0.00002; TOPMed 0.00003.
gnomAD v4.1: 12 of 1,613,758 alleles (0.00074%); highest among the groups gnomAD compares: Middle Eastern, 0.033%; no homozygotes.

Submissions (2):

Ambry Genetics
Classification: Uncertain significance for Inborn genetic diseases. Last evaluated: 2025-01-16. Review status: criteria provided, single submitter. Criteria: Ambry Variant Classification Scheme 2023. Collection method: clinical testing. Allele origin: germline.

Labcorp Genetics (formerly Invitae), Labcorp
Classification: Uncertain significance. Last evaluated: 2025-01-09. Review status: criteria provided, single submitter. Criteria: Invitae Variant Classification Sherloc (09022015). Collection method: clinical testing. Allele origin: germline.
Comment: This sequence change replaces alanine, which is neutral and non-polar, with threonine, which is neutral and polar, at codon 612 of the PROM1 protein (p.Ala612Thr). This variant is present in population databases (rs771046422, gnomAD 0.01%). This variant has not been reported in the literature in individuals affected with PROM1-related conditions. ClinVar contains an entry for this variant (Variation ID: 937243). Invitae Evidence Modeling of protein sequence and biophysical properties (such as structural, functional, and spatial information, amino acid conservation, physicochemical variation, residue mobility, and thermodynamic stability) indicates that this missense variant is not expected to disrupt PROM1 protein function with a negative predictive value of 80%. In summary, the available evidence is currently insufficient to determine the role of this variant in disease. Therefore, it has been classified as a Variant of Uncertain Significance.